The following is an entry in ClinVar:

NM_006941.4(SOX10):c.415G>A (p.Gly139Ser)

Genes: POLR2F (RNA polymerase II, I and III subunit F; plus strand), SOX10 (SRY-box transcription factor 10; minus strand). Cytogenetic location: 22q13.1.
Variant type: single nucleotide variant.
Coding change: c.415G>A on transcript NM_006941.4 (MANE Select); coding-DNA position 415, G replaced by A.
Protein change: p.Gly139Ser; replaces glycine 139 with serine.
Molecular consequence: missense variant. On other transcripts: intron variant (3).
Genome position (GRCh38, 1-based): chr22:37,983,370, C>T on the plus strand (G>A on the coding strand, the complement: SOX10 is on the minus strand). VCF-style: chr22-37983370-C-T. GRCh37 (hg19) VCF-style: chr22-38379377-C-T.
Other names: c.*38+11060C>T (NM_001363825.1); c.294-2784C>T (NM_001301130.2); c.293+16200C>T (NM_001301131.2); short protein forms G139S.
Identifiers: ClinVar variation 3781013 (VCV003781013.1).

ClinVar aggregate classification (germline): Pathogenic (1 of 4 stars; one submission).

Submission:

GeneDx
Classification: Pathogenic. Last evaluated: 2025-08-02. Review status: criteria provided, single submitter. Criteria: GeneDx Variant Classification Process June 2021. Collection method: clinical testing. Allele origin: germline. Affected: yes.
Comment: Not observed at significant frequency in large population cohorts (gnomAD); In silico analysis supports that this missense variant has a deleterious effect on protein structure/function; Has not been previously published as pathogenic or benign to our knowledge